The following is an entry in ClinVar:

ClinVar aggregate classification (germline): Uncertain significance (1 of 4 stars; one submission).

Conditions:
Hereditary pancreatitis (PCTT). Also called: Hereditary chronic pancreatitis; PRSS1-Related Hereditary Pancreatitis. Identifiers: Orphanet 676, MedGen C0238339, MONDO:0008185, OMIM 167800.

Submission:

Ambry Genetics
Classification: Uncertain significance for Hereditary pancreatitis. Last evaluated: 2024-10-28. Review status: criteria provided, single submitter. Criteria: Ambry Variant Classification Scheme 2023. Collection method: clinical testing. Allele origin: germline.
Comment: The p.Q186P variant (also known as c.557A>C), located in coding exon 5 of the CPA1 gene, results from an A to C substitution at nucleotide position 557. The glutamine at codon 186 is replaced by proline, an amino acid with similar properties. This amino acid position is conserved. In addition, the in silico prediction for this alteration is inconclusive. Since supporting evidence is limited at this time, the clinical significance of this alteration remains unclear.

NM_001868.4(CPA1):c.557A>C (p.Gln186Pro)

Gene: CPA1 (carboxypeptidase A1; plus strand). Cytogenetic location: 7q32.2.
Variant type: single nucleotide variant.
Coding change: c.557A>C on transcript NM_001868.4 (MANE Select); coding-DNA position 557, A replaced by C.
Protein change: p.Gln186Pro; replaces glutamine 186 with proline.
Molecular consequence: missense variant.
Genome position (GRCh38, 1-based): chr7:130,383,464, A>C. VCF-style: chr7-130383464-A-C. GRCh37 (hg19) VCF-style: chr7-130023305-A-C.
Other names: short protein forms Q186P.
Identifiers: ClinVar variation 1748403 (VCV001748403.3), dbSNP rs2536008213, ClinGen allele CA369282420.